The following is an entry in ClinVar:

NM_001370466.1(NOD2):c.193G>A (p.Val65Ile)

Gene: NOD2 (nucleotide binding oligomerization domain containing 2; plus strand). Cytogenetic location: 16q12.1.
Variant type: single nucleotide variant.
Coding change: c.193G>A on transcript NM_001370466.1 (MANE Select); coding-DNA position 193, G replaced by A.
Protein change: p.Val65Ile; replaces valine 65 with isoleucine.
Molecular consequence: missense variant. On other transcripts: non-coding transcript variant (1).
Genome position (GRCh38, 1-based): chr16:50,699,688, G>A. VCF-style: chr16-50699688-G-A. GRCh37 (hg19) VCF-style: chr16-50733599-G-A.
Other names: c.274G>A (LRG_177t1); c.193G>A, p.Val65Ile (NM_001293557.2); c.274G>A, p.Val92Ile (NM_022162.3); short protein forms V92I, V65I.
Identifiers: ClinVar variation 319425 (VCV000319425.23), dbSNP rs187264529, ClinGen allele CA8051239.

ClinVar aggregate classification (germline): Conflicting classifications of pathogenicity. Review status: criteria provided, conflicting classifications (1 of 4 stars). 7 submissions from 6 submitters: Uncertain significance (3); Benign (1); Likely benign (3). Last evaluated 2025-10-26.

Conditions:
Autoinflammatory syndrome. Identifiers: Orphanet 93665, MedGen C3890737, MONDO:0019751.
Inborn genetic diseases. Identifiers: MedGen C0950123, MeSH D030342.
Blau syndrome (BLAUS). Also called: GRANULOMATOSIS, FAMILIAL JUVENILE SYSTEMIC; GRANULOMATOSIS, FAMILIAL, BLAU TYPE; GRANULOMATOUS INFLAMMATORY ARTHRITIS, DERMATITIS, AND UVEITIS, FAMILIAL; JABS SYNDROME; ARTHROCUTANEOUVEAL GRANULOMATOSIS. Identifiers: Orphanet 90340, MedGen C5201146, MONDO:0008523, OMIM 186580.
Regional enteritis. Also called: Enteritis, Granulomatous. Identifiers: MedGen C0678202, MeSH D003424.
Inflammatory bowel disease 1 (IBD1). Also called: INFLAMMATORY BOWEL DISEASE (CROHN DISEASE) 1; Inflammatory bowel disease 1, Crohn disease. Identifiers: MedGen CN260071, MONDO:0009960, OMIM 266600.

Allele frequency attached by ClinVar (database versions not stated): TOPMed 0.00006; 1000 Genomes Project 30x 0.00047; gnomAD 0.00048; 1000 Genomes Project 0.00060.
gnomAD v4.1: 82 of 1,614,152 alleles (0.0051%); highest among the groups gnomAD compares: East Asian, 0.071%; no homozygotes.

Submissions (7):

Labcorp Genetics (formerly Invitae), Labcorp
Classification: Likely benign for Regional enteritis; Blau syndrome. Last evaluated: 2025-10-26. Review status: criteria provided, single submitter. Criteria: Invitae Variant Classification Sherloc (09022015). Collection method: clinical testing. Allele origin: germline.

Blueprint Genetics
Classification: Likely benign. Last evaluated: 2023-04-21. Review status: criteria provided, single submitter. Criteria: ACMG Guidelines, 2015. Collection method: clinical testing. Allele origin: germline.

Ambry Genetics
Classification: Uncertain significance for Inborn genetic diseases. Last evaluated: 2021-07-06. Review status: criteria provided, single submitter. Criteria: Ambry Variant Classification Scheme 2023. Collection method: clinical testing. Allele origin: germline.

ARUP Laboratories, Molecular Genetics and Genomics, ARUP Laboratories
Classification: Uncertain significance. Last evaluated: 2020-02-16. Review status: criteria provided, single submitter. Criteria: ARUP Molecular Germline Variant Investigation Process. Collection method: clinical testing. Allele origin: germline.
Comment: The NOD2 c.274G>A; p.Val92Ile variant (rs187264529), to our knowledge, is not reported in the medical literature or gene specific databases. The variant is listed in the ClinVar database (Variation ID: 319425) and in the general population with an overall allele frequency of 0.015% (43/282,598 alleles) in the Genome Aggregation Database. The valine at codon 92 is moderately conserved, but computational analyses (SIFT, PolyPhen-2) predict that this variant is tolerated. Due to limited information, the clinical significance of the p.Val92Ile variant is uncertain at this time.

Genome Diagnostics Laboratory, The Hospital for Sick Children
Classification: Likely benign for Autoinflammatory syndrome. Last evaluated: 2019-11-01. Review status: criteria provided, single submitter. Criteria: ACMG Guidelines, 2015. Collection method: clinical testing. Allele origin: germline. Affected: yes.

Illumina Laboratory Services, Illumina
Classification: Uncertain significance for Inflammatory bowel disease 1. Last evaluated: 2018-01-13. Review status: criteria provided, single submitter. Criteria: ICSL Variant Classification Criteria 13 December 2019. Collection method: clinical testing. Allele origin: germline.

Illumina Laboratory Services, Illumina
Classification: Benign for Blau syndrome. Last evaluated: 2018-01-13. Review status: criteria provided, single submitter. Criteria: ICSL Variant Classification Criteria 13 December 2019. Collection method: clinical testing. Allele origin: germline.
Comment: This variant was observed in the ICSL laboratory as part of a predisposition screen in an ostensibly healthy population. It had not been previously curated by ICSL or reported in the Human Gene Mutation Database (HGMD: prior to June 1st, 2018), and was therefore a candidate for classification through an automated scoring system. Utilizing variant allele frequency, disease prevalence and penetrance estimates, and inheritance mode, an automated score was calculated to assess if this variant is too frequent to cause the disease. Based on the score and internal cut-off values, a variant classified as benign is not then subjected to further curation. The score for this variant resulted in a classification of benign for this disease.